The following is an entry in ClinVar:

ClinVar aggregate classification (germline): Likely benign. Review status: criteria provided, multiple submitters, no conflicts (2 of 4 stars). 3 submissions from 3 submitters: Likely benign (2). 1 of the submissions does not count toward it. Last evaluated 2026-08-01.

Conditions:
EIF3F-related disorder. Also called: EIF3F-related condition.

Allele frequency attached by ClinVar (database versions not stated): 1000 Genomes Project 30x 0.00016; 1000 Genomes Project 0.00020; ESP Exome Variant Server 0.00090; gnomAD 0.00107; gnomAD exomes 0.00126; TOPMed 0.00133; ExAC 0.00144.
gnomAD v4.1: 2,015 of 1,597,554 alleles (0.13%); highest among the groups gnomAD compares: Middle Eastern, 0.38%; 6 homozygotes.

Submissions (3):

CeGaT Center for Human Genetics Tuebingen
Classification: Likely benign. Last evaluated: 2026-08-01. Review status: criteria provided, single submitter. Criteria: CeGaT Center For Human Genetics Tuebingen Variant Classification Criteria Version 2. Collection method: clinical testing. Allele origin: germline. Affected: yes. Observed: 5 variant alleles.
Comment: EIF3F: BS2

Blueprint Genetics
Classification: Likely benign. Last evaluated: 2024-11-21. Review status: criteria provided, single submitter. Criteria: ACMG Guidelines, 2015. Collection method: clinical testing. Allele origin: germline.

PreventionGenetics, part of Exact Sciences
Classification: Benign for EIF3F-related condition. Last evaluated: 2019-05-10. Review status: no assertion criteria provided. Collection method: clinical testing. Allele origin: germline. Not counted in ClinVar's aggregate classification.
Comment: This variant is classified as benign based on ACMG/AMP sequence variant interpretation guidelines (Richards et al. 2015 PMID: 25741868, with internal and published modifications).

NM_003754.3(EIF3F):c.233C>T (p.Pro78Leu)

Gene: EIF3F (eukaryotic translation initiation factor 3 subunit F; plus strand). Cytogenetic location: 11p15.4.
Variant type: single nucleotide variant.
Coding change: c.233C>T on transcript NM_003754.3 (MANE Select); coding-DNA position 233, C replaced by T.
Protein change: p.Pro78Leu; replaces proline 78 with leucine.
Molecular consequence: missense variant.
Genome position (GRCh38, 1-based): chr11:7,987,585, C>T. VCF-style: chr11-7987585-C-T. GRCh37 (hg19) VCF-style: chr11-8009132-C-T.
Other names: c.233C>T (NM_003754.2); short protein forms P78L.
Identifiers: ClinVar variation 2578652 (VCV002578652.27), dbSNP rs200229110, ClinGen allele CA5870457.